The following is an entry in ClinVar:

ClinVar aggregate classification (germline): Uncertain significance (1 of 4 stars; one submission).

gnomAD v4.1: 6 of 1,614,000 alleles (0.00037%); highest among the groups gnomAD compares: African/African-American, 0.0067%; no homozygotes.

Submission:

Ambry Genetics
Classification: Uncertain significance. Last evaluated: 2024-12-25. Review status: criteria provided, single submitter. Criteria: Ambry Variant Classification Scheme 2023. Collection method: clinical testing. Allele origin: germline.
Comment: The p.S975R variant (also known as c.2925T>G), located in coding exon 1 of the TET2 gene, results from a T to G substitution at nucleotide position 2925. The serine at codon 975 is replaced by arginine, an amino acid with dissimilar properties. This amino acid position is conserved. In addition, this alteration is predicted to be tolerated by in silico analysis. Based on the available evidence, the clinical significance of this variant remains unclear.

NM_001127208.3(TET2):c.2925T>G (p.Ser975Arg)

Genes: TET2 (tet methylcytosine dioxygenase 2; plus strand), TET2-AS1 (TET2 antisense RNA 1; minus strand). Cytogenetic location: 4q24.
Variant type: single nucleotide variant.
Coding change: c.2925T>G on transcript NM_001127208.3 (MANE Select); coding-DNA position 2925, T replaced by G.
Protein change: p.Ser975Arg; replaces serine 975 with arginine.
Molecular consequence: missense variant.
Genome position (GRCh38, 1-based): chr4:105,236,867, T>G. VCF-style: chr4-105236867-T-G. GRCh37 (hg19) VCF-style: chr4-106158024-T-G.
Other names: c.2925T>G, p.Ser975Arg (NM_017628.4); short protein forms S975R.
Identifiers: ClinVar variation 3805899 (VCV003805899.1).